The following is an entry in ClinVar:

NM_000051.4(ATM):c.6047A>T (p.Asp2016Val)

Genes: ATM (ATM serine/threonine kinase; plus strand), C11orf65 (chromosome 11 open reading frame 65; minus strand). Cytogenetic location: 11q22.3.
Variant type: single nucleotide variant.
Coding change: c.6047A>T on transcript NM_000051.4 (MANE Select); coding-DNA position 6047, A replaced by T.
Protein change: p.Asp2016Val; replaces aspartic acid 2016 with valine.
Molecular consequence: missense variant. On other transcripts: intron variant (2).
Genome position (GRCh38, 1-based): chr11:108,315,863, A>T. VCF-style: chr11-108315863-A-T. GRCh37 (hg19) VCF-style: chr11-108186590-A-T.
Other names: c.6047A>T, p.Asp2016Val (NM_001351834.2); c.641-6792T>A (NM_001330368.2); c.*39-6792T>A (NM_001351110.2); short protein forms D2016V.
Identifiers: ClinVar variation 481349 (VCV000481349.14), dbSNP rs587781302, ClinGen allele CA382549963.

ClinVar aggregate classification (germline): Uncertain significance. Review status: criteria provided, multiple submitters, no conflicts (2 of 4 stars). 3 submissions from 3 submitters: Uncertain significance (3). Last evaluated 2025-06-09.

Conditions:
Hereditary cancer-predisposing syndrome. Also called: Neoplastic Syndromes, Hereditary; Hereditary Cancer Syndrome; Tumor predisposition; Hereditary neoplastic syndrome. Identifiers: Orphanet 140162, MedGen C0027672, MeSH D009386, MONDO:0015356.
Ataxia-telangiectasia syndrome (AT). Also called: LOUIS-BAR SYNDROME; Cerebello-oculocutaneous telangiectasia; Immunodeficiency with ataxia telangiectasia; Ataxia-telangiectasia, complementation group D; AT, COMPLEMENTATION GROUP C; Ataxia-telangiectasia, complementation group E. Identifiers: Orphanet 100, MedGen C0004135, MONDO:0008840, OMIM 208900.

Allele frequency attached by ClinVar (database versions not stated): gnomAD exomes below 0.00001.
gnomAD v4.1: 1 of 1,613,578 alleles (0.000062%); highest among the groups gnomAD compares: African/African-American, 0.0013%; no homozygotes.

Submissions (3):

Color Diagnostics, LLC DBA Color Health
Classification: Uncertain significance for Hereditary cancer-predisposing syndrome. Last evaluated: 2025-06-09. Review status: criteria provided, single submitter. Criteria: ACMG Guidelines, 2015. Collection method: clinical testing. Allele origin: germline.
Comment: This missense variant replaces aspartic acid with valine at codon 2016 of the ATM protein. Computational prediction suggests that this variant may have deleterious impact on protein structure and function. To our knowledge, functional studies have not been reported for this variant. This variant has not been reported in individuals affected with ATM-related disorders in the literature. This variant has not been identified in the general population by the Genome Aggregation Database (gnomAD). A different variant occurring at the same codon, p.Asp2016Gly, is a well documented pathogenic mutation (ClinVar Variation ID: 140823), indicating that methionine at this position is important for ATM protein function. The available evidence is insufficient to determine the role of this variant in disease conclusively. Therefore, this variant is classified as a Variant of Uncertain Significance.

Labcorp Genetics (formerly Invitae), Labcorp
Classification: Uncertain significance for Ataxia-telangiectasia syndrome. Last evaluated: 2021-08-03. Review status: criteria provided, single submitter. Criteria: Invitae Variant Classification Sherloc (09022015). Collection method: clinical testing. Allele origin: germline.
Comment: This sequence change replaces aspartic acid with valine at codon 2016 of the ATM protein (p.Asp2016Val). The aspartic acid residue is highly conserved and there is a large physicochemical difference between aspartic acid and valine. This variant is not present in population databases (ExAC no frequency). In summary, the available evidence is currently insufficient to determine the role of this variant in disease. Therefore, it has been classified as a Variant of Uncertain Significance. This variant disrupts the p.Asp2016 amino acid residue in ATM. Other variant(s) that disrupt this residue have been determined to be pathogenic (PMID: 18634022, 9887333, 31741144). This suggests that this residue is clinically significant, and that variants that disrupt this residue are likely to be disease-causing. Algorithms developed to predict the effect of sequence changes on RNA splicing suggest that this variant may create or strengthen a splice site, but this prediction has not been confirmed by published transcriptional studies. Advanced modeling of protein sequence and biophysical properties (such as structural, functional, and spatial information, amino acid conservation, physicochemical variation, residue mobility, and thermodynamic stability) performed at Invitae indicates that this missense variant is not expected to disrupt ATM protein function. This variant has not been reported in the literature in individuals with ATM-related conditions. ClinVar contains an entry for this variant (Variation ID: 481349).

Ambry Genetics
Classification: Uncertain significance for Hereditary cancer-predisposing syndrome. Last evaluated: 2017-06-15. Review status: criteria provided, single submitter. Criteria: Ambry Variant Classification Scheme 2023. Collection method: clinical testing. Allele origin: germline.
Comment: The p.D2016V variant (also known as c.6047A>T), located in coding exon 40 of the ATM gene, results from an A to T substitution at nucleotide position 6047. The aspartic acid at codon 2016 is replaced by valine, an amino acid with highly dissimilar properties. This amino acid position is highly conserved in available vertebrate species. In addition, this alteration is predicted to be deleterious by in silico analysis. Since supporting evidence is limited at this time, the clinical significance of this alteration remains unclear.

Literature cited by the submitters: PubMed 18634022 (cited by Labcorp Genetics (formerly Invitae), Labcorp); PubMed 9887333 (cited by Labcorp Genetics (formerly Invitae), Labcorp); PubMed 31741144 (cited by Labcorp Genetics (formerly Invitae), Labcorp).